The following is an entry in ClinVar:

NM_080860.4(RSPH1):c.376G>A (p.Gly126Ser)

Gene: RSPH1 (radial spoke head component 1; minus strand). Cytogenetic location: 21q22.3.
Variant type: single nucleotide variant.
Coding change: c.376G>A on transcript NM_080860.4 (MANE Select); coding-DNA position 376, G replaced by A.
Protein change: p.Gly126Ser; replaces glycine 126 with serine.
Molecular consequence: missense variant.
Genome position (GRCh38, 1-based): chr21:42,485,794, C>T on the plus strand (G>A on the coding strand, the complement: RSPH1 is on the minus strand). VCF-style: chr21-42485794-C-T. GRCh37 (hg19) VCF-style: chr21-43905904-C-T.
Other names: c.262G>A, p.Gly88Ser (NM_001286506.2); short protein forms G126S, G88S.
Identifiers: ClinVar variation 2139564 (VCV002139564.4), dbSNP rs1037411448, ClinGen allele CA321555688.

ClinVar aggregate classification (germline): Likely pathogenic (1 of 4 stars; one submission).

Conditions:
Primary ciliary dyskinesia. Also called: Ciliary dyskinesia. Identifiers: Orphanet 244, MedGen C0008780, MONDO:0016575, HP:0012265.

Allele frequency attached by ClinVar (database versions not stated): gnomAD exomes below 0.00001; gnomAD 0.00003; TOPMed 0.00005.
gnomAD v4.1: 9 of 1,614,090 alleles (0.00056%); highest among the groups gnomAD compares: African/African-American, 0.011%; no homozygotes.

Submission:

Labcorp Genetics (formerly Invitae), Labcorp
Classification: Likely pathogenic for Primary ciliary dyskinesia. Last evaluated: 2022-03-08. Review status: criteria provided, single submitter. Criteria: Invitae Variant Classification Sherloc (09022015). Collection method: clinical testing. Allele origin: germline.
Comment: In summary, the currently available evidence indicates that the variant is pathogenic, but additional data are needed to prove that conclusively. Therefore, this variant has been classified as Likely Pathogenic. This variant disrupts the p.Gly126 amino acid residue in RSPH1. Other variant(s) that disrupt this residue have been determined to be pathogenic (Invitae). This suggests that this residue is clinically significant, and that variants that disrupt this residue are likely to be disease-causing. Algorithms developed to predict the effect of missense changes on protein structure and function (SIFT, PolyPhen-2, Align-GVGD) all suggest that this variant is likely to be disruptive. This missense change has been observed in individual(s) with clinical features of primary ciliary dyskinesia (Invitae). This variant is present in population databases (no rsID available, gnomAD 0.01%). This sequence change replaces glycine, which is neutral and non-polar, with serine, which is neutral and polar, at codon 126 of the RSPH1 protein (p.Gly126Ser).